The following is an entry in ClinVar:

NM_000535.7(PMS2):c.2256T>A (p.Asp752Glu)

Gene: PMS2 (PMS1 homolog 2, mismatch repair system component; minus strand). Cytogenetic location: 7p22.1.
Variant type: single nucleotide variant.
Coding change: c.2256T>A on transcript NM_000535.7 (MANE Select); coding-DNA position 2256, T replaced by A.
Protein change: p.Asp752Glu; replaces aspartic acid 752 with glutamic acid.
Molecular consequence: missense variant. On other transcripts: non-coding transcript variant (1), intron variant (2).
Genome position (GRCh38, 1-based): chr7:5,978,615, A>T on the plus strand (T>A on the coding strand, the complement: PMS2 is on the minus strand). VCF-style: chr7-5978615-A-T. GRCh37 (hg19) VCF-style: chr7-6018246-A-T.
Other names: c.1851T>A, p.Asp617Glu (NM_001322003.2, NM_001322004.2, NM_001322005.2 and 14 more transcripts); c.2100T>A, p.Asp700Glu (NM_001322006.2, NM_001406870.1); c.1938T>A, p.Asp646Glu (NM_001322007.2, NM_001322008.2, NM_001406876.1 and 1 more transcripts); c.1695T>A, p.Asp565Glu (NM_001322010.2, NM_001406906.1, NM_001406907.1); c.1323T>A, p.Asp441Glu (NM_001322011.2, NM_001322012.2); c.1683T>A, p.Asp561Glu (NM_001322013.2, NM_001406908.1, NM_001406909.1); c.2256T>A, p.Asp752Glu (NM_001322014.2); c.1947T>A, p.Asp649Glu (NM_001322015.2, NM_001406875.1, NM_001406877.1 and 5 more transcripts); and 16 more; short protein forms D565E, D594E, D597E, D630E, D760E, D495E, D640E, D649E.
Identifiers: ClinVar variation 3421445 (VCV003421445.1).
Genomic context (GRCh38, chr7:5,978,615, plus strand): 5'-GCCACCACACCCAGCCGCTATAGTTCTAATTAATAACTTACCATTTTCATCGATAACAAA[A>T]TCAAAGCCATTCTTTCTAAATATTTCCAGATTTTCTATCAGAACAGCTTCATTAACAGCA-3'
Protein context (NP_000526.2, residues 742-762): NLEIFRKNGF[Asp752Glu]FVIDENAPVT

ClinVar aggregate classification (germline): Uncertain significance (1 of 4 stars; one submission).

Conditions:
Hereditary cancer-predisposing syndrome. Also called: Neoplastic Syndromes, Hereditary; Tumor predisposition; Hereditary Cancer Syndrome; Hereditary neoplastic syndrome. Identifiers: Orphanet 140162, MedGen C0027672, MeSH D009386, MONDO:0015356.

Submission:

Ambry Genetics
Classification: Uncertain significance for Hereditary cancer-predisposing syndrome. Last evaluated: 2024-11-11. Review status: criteria provided, single submitter. Criteria: Ambry Variant Classification Scheme 2023. Collection method: clinical testing. Allele origin: germline.
Comment: The p.D752E variant (also known as c.2256T>A), located in coding exon 13 of the PMS2 gene, results from a T to A substitution at nucleotide position 2256. The aspartic acid at codon 752 is replaced by glutamic acid, an amino acid with highly similar properties. This amino acid position is conserved. In addition, this alteration is predicted to be tolerated by in silico analysis. Based on the available evidence, the clinical significance of this variant remains unclear.